The following is an entry in ClinVar:

NM_000052.7(ATP7A):c.3761C>T (p.Thr1254Ile)

Gene: ATP7A (ATPase copper transporting alpha; plus strand). Cytogenetic location: Xq21.1.
Variant type: single nucleotide variant.
Coding change: c.3761C>T on transcript NM_000052.7 (MANE Select); coding-DNA position 3761, C replaced by T.
Protein change: p.Thr1254Ile; replaces threonine 1254 with isoleucine.
Molecular consequence: missense variant. On other transcripts: non-coding transcript variant (1).
Genome position (GRCh38, 1-based): chrX:78,040,693, C>T. VCF-style: chrX-78040693-C-T. GRCh37 (hg19) VCF-style: chrX-77296191-C-T.
Other names: c.3527C>T, p.Thr1176Ile (NM_001282224.2); short protein forms T1176I, T1254I.
Identifiers: ClinVar variation 2120671 (VCV002120671.4), dbSNP rs2522414619, ClinGen allele CA413604912.

ClinVar aggregate classification (germline): Uncertain significance (1 of 4 stars; one submission).

Conditions:
X-linked distal spinal muscular atrophy type 3. Also called: ATP7A-Related Distal Motor Neuropathy; SPINAL MUSCULAR ATROPHY, DISTAL, X-LINKED RECESSIVE; NEURONOPATHY, DISTAL HEREDITARY MOTOR, X-LINKED; NEUROPATHY, DISTAL HEREDITARY MOTOR, X-LINKED. Identifiers: Orphanet 139557, MedGen C1845359, MONDO:0010338, OMIM 300489.
Menkes kinky-hair syndrome (MNK). Also called: Copper transport disease; Menkes Disease; Classic Menkes Disease. Identifiers: Orphanet 565, MedGen C0022716, MONDO:0010651, OMIM 309400.
Cutis laxa, X-linked (OHS). Also called: EDS IX; Occipital horn syndrome. Identifiers: Orphanet 198, MedGen C0268353, MONDO:0010572, OMIM 304150.

Submission:

Labcorp Genetics (formerly Invitae), Labcorp
Classification: Uncertain significance for X-linked distal spinal muscular atrophy type 3; Cutis laxa, X-linked; Menkes kinky-hair syndrome. Last evaluated: 2022-04-01. Review status: criteria provided, single submitter. Criteria: Invitae Variant Classification Sherloc (09022015). Collection method: clinical testing. Allele origin: germline.
Comment: In summary, the available evidence is currently insufficient to determine the role of this variant in disease. Therefore, it has been classified as a Variant of Uncertain Significance. Advanced modeling of protein sequence and biophysical properties (such as structural, functional, and spatial information, amino acid conservation, physicochemical variation, residue mobility, and thermodynamic stability) performed at Invitae indicates that this missense variant is expected to disrupt ATP7A protein function. This variant has not been reported in the literature in individuals affected with ATP7A-related conditions. This variant is not present in population databases (gnomAD no frequency). This sequence change replaces threonine, which is neutral and polar, with isoleucine, which is neutral and non-polar, at codon 1254 of the ATP7A protein (p.Thr1254Ile).